The following is an entry in ClinVar:

ClinVar aggregate classification (germline): Uncertain significance. Review status: criteria provided, multiple submitters, no conflicts (2 of 4 stars). 3 submissions from 3 submitters: Uncertain significance (3). Last evaluated 2025-12-01.

Conditions:
Familial thoracic aortic aneurysm and aortic dissection (TAAD). Also called: Thoracic aortic aneurysms and dissections. Identifiers: Orphanet 91387, MedGen C4707243, MONDO:0019625.
Loeys-Dietz syndrome 1 (LDS1). Also called: FURLONG SYNDROME; TGFBR1-Related Loeys-Dietz Syndrome; AORTIC ANEURYSM, FAMILIAL THORACIC 5. Identifiers: Orphanet 60030, MedGen C4551955, MONDO:0012212, OMIM 609192.

gnomAD v4.1: 14 of 1,614,004 alleles (0.00087%); highest among the groups gnomAD compares: East Asian, 0.0022%; no homozygotes.

Submissions (3):

Victorian Clinical Genetics Services, Murdoch Childrens Research Institute
Classification: Uncertain significance for Loeys-Dietz syndrome 1. Last evaluated: 2025-12-01. Review status: criteria provided, single submitter. Criteria: ACMG Guidelines, 2015. Collection method: clinical testing. Allele origin: germline. Affected: yes.
Comment: This variant is classified as VUS-3B. Evidence in support of pathogenic classification: Variant is present in gnomAD <0.001 for a dominant condition (v4: 14 heterozygote(s), 0 homozygote(s)); Missense variant predicted to be damaging by in silico tool(s) or highly conserved with a major amino acid change. Additional information: Variant is predicted to result in a missense amino acid change from Thr to Met; This variant is heterozygous; This gene is associated with autosomal dominant disease; Alternative amino acid change(s) at the same position are present in gnomAD (highest allele count: v4: 2 heterozygote(s), 0 homozygote(s)); This variant has no previous evidence of pathogenicity; No published evidence of segregation with disease has been identified for this variant; No published functional evidence has been identified for this variant; No comparable missense variants have previous evidence for pathogenicity; Variant is located at a residue that is phosphorylated in the annotated transforming growth factor beta type I GS-motif (DECIPHER, PMID: 40612107); Loss of function is a known mechanism of disease in this gene and is associated with multiple self-healing squamous epithelioma (MSSE) (MIM#132800) (PMID: 21358634). Dominant negative is a suspected mechanism of disease in this gene and has been associated with Loeys-Dietz syndrome (LDS) (MIM#609192) (PMID: 29706644); Variants in this gene are known to have variable expressivity (PMID: 32339686); Inheritance information for this variant is not currently available in this individual.

Color Diagnostics, LLC DBA Color Health
Classification: Uncertain significance for Familial thoracic aortic aneurysm and aortic dissection. Last evaluated: 2025-07-09. Review status: criteria provided, single submitter. Criteria: ACMG Guidelines, 2015. Collection method: clinical testing. Allele origin: germline.
Comment: This missense variant replaces threonine with methionine at codon 186 of the TGFBR1 protein. Computational prediction suggests that this variant may have a deleterious impact on protein structure and function. To our knowledge, functional studies have not been reported for this variant. This variant has not been reported in individuals affected with TGFBR1-related disorders in the literature. This variant has been identified in 2/250852 chromosomes in the general population by the Genome Aggregation Database (gnomAD). The available evidence is insufficient to determine the role of this variant in disease conclusively. Therefore, this variant is classified as a Variant of Uncertain Significance.

Blueprint Genetics
Classification: Uncertain significance. Last evaluated: 2024-06-07. Review status: criteria provided, single submitter. Criteria: ACMG Guidelines, 2015. Collection method: clinical testing. Allele origin: germline.

Literature cited by the submitters: PubMed 29706644 (cited by Victorian Clinical Genetics Services, Murdoch Childrens Research Institute); PubMed 21358634 (cited by Victorian Clinical Genetics Services, Murdoch Childrens Research Institute); PubMed 32339686 (cited by Victorian Clinical Genetics Services, Murdoch Childrens Research Institute); PubMed 40612107 (cited by Victorian Clinical Genetics Services, Murdoch Childrens Research Institute).

NM_004612.4(TGFBR1):c.557C>T (p.Thr186Met)

Gene: TGFBR1 (transforming growth factor beta receptor 1; plus strand). Cytogenetic location: 9q22.33.
Variant type: single nucleotide variant.
Coding change: c.557C>T on transcript NM_004612.4 (MANE Select); coding-DNA position 557, C replaced by T.
Protein change: p.Thr186Met; replaces threonine 186 with methionine.
Molecular consequence: missense variant. On other transcripts: intron variant (1).
Genome position (GRCh38, 1-based): chr9:99,132,722, C>T. VCF-style: chr9-99132722-C-T. GRCh37 (hg19) VCF-style: chr9-101895004-C-T.
Other names: c.569C>T, p.Thr190Met (NM_001306210.2); c.343+3622C>T (NM_001130916.3); short protein forms T186M, T190M.
Identifiers: ClinVar variation 4757527 (VCV004757527.3), dbSNP rs144313652.